The following is an entry in ClinVar:

ClinVar aggregate classification (germline): Uncertain significance (1 of 4 stars; one submission).

Allele frequency attached by ClinVar (database versions not stated): gnomAD 0.00003; TOPMed 0.00003.
gnomAD v4.1: 19 of 1,489,422 alleles (0.0013%); highest among the groups gnomAD compares: Admixed American, 0.017%; no homozygotes.

Submission:

Labcorp Genetics (formerly Invitae), Labcorp
Classification: Uncertain significance. Last evaluated: 2022-10-24. Review status: criteria provided, single submitter. Criteria: Invitae Variant Classification Sherloc (09022015). Collection method: clinical testing. Allele origin: germline.
Comment: This sequence change replaces alanine, which is neutral and non-polar, with proline, which is neutral and non-polar, at codon 52 of the ADGRA3 protein (p.Ala52Pro). This variant is present in population databases (no rsID available, gnomAD 0.01%). This variant has not been reported in the literature in individuals affected with ADGRA3-related conditions. Algorithms developed to predict the effect of missense changes on protein structure and function (SIFT, PolyPhen-2, Align-GVGD) all suggest that this variant is likely to be tolerated. In summary, the available evidence is currently insufficient to determine the role of this variant in disease. Therefore, it has been classified as a Variant of Uncertain Significance.

NM_145290.4(ADGRA3):c.154G>C (p.Ala52Pro)

Gene: ADGRA3 (adhesion G protein-coupled receptor A3; minus strand). Cytogenetic location: 4p15.2.
Variant type: single nucleotide variant.
Coding change: c.154G>C on transcript NM_145290.4 (MANE Select); coding-DNA position 154, G replaced by C.
Protein change: p.Ala52Pro; replaces alanine 52 with proline.
Molecular consequence: missense variant.
Genome position (GRCh38, 1-based): chr4:22,515,631, C>G on the plus strand (G>C on the coding strand, the complement: ADGRA3 is on the minus strand). VCF-style: chr4-22515631-C-G. GRCh37 (hg19) VCF-style: chr4-22517254-C-G.
Other names: short protein forms A52P.
Identifiers: ClinVar variation 1988164 (VCV001988164.4), dbSNP rs1291221163, ClinGen allele CA356507754.